The following is an entry in ClinVar:

ClinVar aggregate classification (germline): Uncertain significance (1 of 4 stars; one submission).

Conditions:
Autosomal dominant polycystic kidney disease. Identifiers: Orphanet 730, MedGen C0085413, MONDO:0004691.

Submission:

Labcorp Genetics (formerly Invitae), Labcorp
Classification: Uncertain significance for Autosomal dominant polycystic kidney disease. Last evaluated: 2023-03-16. Review status: criteria provided, single submitter. Criteria: Invitae Variant Classification Sherloc (09022015). Collection method: clinical testing. Allele origin: germline.
Comment: Advanced modeling of protein sequence and biophysical properties (such as structural, functional, and spatial information, amino acid conservation, physicochemical variation, residue mobility, and thermodynamic stability) performed at Invitae indicates that this missense variant is not expected to disrupt PKD2 protein function. This variant has not been reported in the literature in individuals affected with PKD2-related conditions. This variant is not present in population databases (gnomAD no frequency). This sequence change replaces asparagine, which is neutral and polar, with aspartic acid, which is acidic and polar, at codon 531 of the PKD2 protein (p.Asn531Asp). In summary, the available evidence is currently insufficient to determine the role of this variant in disease. Therefore, it has been classified as a Variant of Uncertain Significance.

NM_000297.4(PKD2):c.1591A>G (p.Asn531Asp)

Gene: PKD2 (polycystin 2, transient receptor potential cation channel; plus strand). Cytogenetic location: 4q22.1.
Variant type: single nucleotide variant.
Coding change: c.1591A>G on transcript NM_000297.4 (MANE Select); coding-DNA position 1591, A replaced by G.
Protein change: p.Asn531Asp; replaces asparagine 531 with aspartic acid.
Molecular consequence: missense variant. On other transcripts: non-coding transcript variant (1).
Genome position (GRCh38, 1-based): chr4:88,052,033, A>G. VCF-style: chr4-88052033-A-G. GRCh37 (hg19) VCF-style: chr4-88973185-A-G.
Other names: short protein forms N531D.
Identifiers: ClinVar variation 2846334 (VCV002846334.3), dbSNP rs2475941290, ClinGen allele CA357621566.